The following is an entry in ClinVar:

ClinVar aggregate classification (germline): Uncertain significance (1 of 4 stars; one submission).

Submission:

Labcorp Genetics (formerly Invitae), Labcorp
Classification: Uncertain significance. Last evaluated: 2024-10-18. Review status: criteria provided, single submitter. Criteria: Invitae Variant Classification Sherloc (09022015). Collection method: clinical testing. Allele origin: germline.
Comment: This sequence change replaces threonine, which is neutral and polar, with alanine, which is neutral and non-polar, at codon 449 of the A2ML1 protein (p.Thr449Ala). This variant is not present in population databases (gnomAD no frequency). This variant has not been reported in the literature in individuals affected with A2ML1-related conditions. ClinVar contains an entry for this variant (Variation ID: 1005574). An algorithm developed to predict the effect of missense changes on protein structure and function (PolyPhen-2) suggests that this variant is likely to be disruptive. In summary, the available evidence is currently insufficient to determine the role of this variant in disease. Therefore, it has been classified as a Variant of Uncertain Significance.

NM_144670.6(A2ML1):c.1345A>G (p.Thr449Ala)

Gene: A2ML1 (alpha-2-macroglobulin like 1; plus strand). Cytogenetic location: 12p13.31.
Variant type: single nucleotide variant.
Coding change: c.1345A>G on transcript NM_144670.6 (MANE Select); coding-DNA position 1345, A replaced by G.
Protein change: p.Thr449Ala; replaces threonine 449 with alanine.
Molecular consequence: missense variant.
Genome position (GRCh38, 1-based): chr12:8,843,230, A>G. VCF-style: chr12-8843230-A-G. GRCh37 (hg19) VCF-style: chr12-8995826-A-G.
Other names: short protein forms T449A.
Identifiers: ClinVar variation 1005574 (VCV001005574.8), dbSNP rs1943550917, ClinGen allele CA383825032.